The following is an entry in ClinVar:

ClinVar aggregate classification (germline): Uncertain significance (1 of 4 stars; one submission).

Submission:

Labcorp Genetics (formerly Invitae), Labcorp
Classification: Uncertain significance. Last evaluated: 2022-09-06. Review status: criteria provided, single submitter. Criteria: Invitae Variant Classification Sherloc (09022015). Collection method: clinical testing. Allele origin: germline.
Comment: This variant is not present in population databases (gnomAD no frequency). In summary, the available evidence is currently insufficient to determine the role of this variant in disease. Therefore, it has been classified as a Variant of Uncertain Significance. Experimental studies and prediction algorithms are not available or were not evaluated, and the functional significance of this variant is currently unknown. ClinVar contains an entry for this variant (Variation ID: 1510549). This variant has not been reported in the literature in individuals affected with ARSG-related conditions. This variant, c.719_727del, results in the deletion of 3 amino acid(s) of the ARSG protein (p.Pro240_Leu242del), but otherwise preserves the integrity of the reading frame.

NM_001267727.2(ARSG):c.719_727del (p.Pro240_Leu242del)

Gene: ARSG (arylsulfatase G; plus strand). Cytogenetic location: 17q24.2.
Variant type: Deletion.
Coding change: c.719_727del on transcript NM_001267727.2 (MANE Select); coding-DNA positions 719 to 727, 9 bases deleted (CCTTCCTGC; older notation c.719_727delCCTTCCTGC).
Protein change: p.Pro240_Leu242del.
Molecular consequence: inframe deletion.
Genome position (GRCh38, 1-based): chr17:68,368,562-68,368,570, CCTTCCTGC deleted; deleting any 9 consecutive bases within chr17:68,368,560-68,368,570 gives the same sequence; the c. name uses the placement nearest the transcript's 3' end. VCF-style (leftmost placement, unchanged base first): chr17-68368559-GGCCCTTCCT-G. GRCh37 (hg19) VCF-style: chr17-66364700-GGCCCTTCCT-G.
Other names: c.719_727del, p.Pro240_Leu242del (NM_001352899.2, NM_001352900.2, NM_001352901.2 and 3 more transcripts); c.716_724del, p.Pro239_Leu241del (NM_001352903.2, NM_001352904.2, NM_001352905.2 and 2 more transcripts); c.671_679del, p.Pro224_Leu226del (NM_001352909.2).
Identifiers: ClinVar variation 1510549 (VCV001510549.8), dbSNP rs2146703115, ClinGen allele CA2573154914.
Genomic context (GRCh38, chr17:68,368,559, plus strand): 5'-GAGCCAGGAGAGCCTTCTGCAGAGTCACCTCTTGGTTCTCCTGTTTCAGCACCAGCGGGA[GGCCCTTCCT>G]GCTCTATGTGGCTCTGGCCCACATGCACGTGCCCTTACCTGTGACTCAGCTACCAGCAGC-3'